The following is an entry in ClinVar:

ClinVar aggregate classification (germline): Uncertain significance (1 of 4 stars; one submission).

Submission:

Labcorp Genetics (formerly Invitae), Labcorp
Classification: Uncertain significance. Last evaluated: 2020-07-21. Review status: criteria provided, single submitter. Criteria: Invitae Variant Classification Sherloc (09022015). Collection method: clinical testing. Allele origin: germline.
Comment: This sequence change replaces glutamine with histidine at codon 2498 of the CDH23 protein (p.Gln2498His). The glutamine residue is moderately conserved and there is a small physicochemical difference between glutamine and histidine. In summary, the available evidence is currently insufficient to determine the role of this variant in disease. Therefore, it has been classified as a Variant of Uncertain Significance. Algorithms developed to predict the effect of missense changes on protein structure and function are either unavailable or do not agree on the potential impact of this missense change (SIFT: "Tolerated"; PolyPhen-2: "Not Available"; Align-GVGD: "Class C0"). This variant has not been reported in the literature in individuals with CDH23-related conditions. This variant is not present in population databases (ExAC no frequency).

NM_022124.6(CDH23):c.7494A>T (p.Gln2498His)

Gene: CDH23 (cadherin related 23; plus strand). Cytogenetic location: 10q22.1.
Variant type: single nucleotide variant.
Coding change: c.7494A>T on transcript NM_022124.6 (MANE Select); coding-DNA position 7494, A replaced by T.
Protein change: p.Gln2498His; replaces glutamine 2498 with histidine.
Molecular consequence: missense variant.
Genome position (GRCh38, 1-based): chr10:71,802,909, A>T. VCF-style: chr10-71802909-A-T. GRCh37 (hg19) VCF-style: chr10-73562666-A-T.
Other names: c.774A>T, p.Gln258His (NM_001171933.1, NM_001171934.1); short protein forms Q258H, Q2498H.
Identifiers: ClinVar variation 1036536 (VCV001036536.8), dbSNP rs1841597106, ClinGen allele CA377160330.
Genomic context (GRCh38, chr10:71,802,909, plus strand): 5'-GCTGCCCCATCCTGCTCCTTACCTTTGGCCTTGACCTCCATCCACCCAGGTGGTGATCCA[A>T]GTGCTGGATGTCAATGACTGCCGGCCACAGTTCTCCAAGCCCCAGTTCAGCACAAGCGTG-3'
Protein context (NP_071407.4, residues 2488-2508): RRENSVQVVI[Gln2498His]VLDVNDCRPQ